The following is an entry in ClinVar:

NM_015330.6(SPECC1L):c.2827+8C>T

Genes: SPECC1L (sperm antigen with calponin homology and coiled-coil domains 1 like; plus strand), SPECC1L-ADORA2A (SPECC1L-ADORA2A readthrough (NMD candidate); plus strand). Cytogenetic location: 22q11.23.
Variant type: single nucleotide variant.
Coding change: c.2827+8C>T on transcript NM_015330.6 (MANE Select); 8 bases into the intron after coding-DNA position 2827, C replaced by T.
Molecular consequence: intron variant.
Genome position (GRCh38, 1-based): chr22:24,363,352, C>T. VCF-style: chr22-24363352-C-T. GRCh37 (hg19) VCF-style: chr22-24759320-C-T.
Other names: c.2827+8C>T (NM_001145468.4, NM_001254732.3); c.25+8C>T (NM_001254733.2).
Identifiers: ClinVar variation 3036900 (VCV003036900.2), dbSNP rs201412778, ClinGen allele CA10152449.
Genomic context (GRCh38, chr22:24,363,352, plus strand): 5'-GCCTGCTTCCCTGCCAAGAGTGCCTGCGATGGAAAGTGCCAAGACCCTCTCAGGTGATGA[C>T]TTTCATCTGAATTTTTGTTGTATTTGTTGTTTTTTAGAGACAGGATCTCACTATGTTGCC-3'

ClinVar aggregate classification (germline): Likely benign (0 of 4 stars; one submission).

Conditions:
SPECC1L-related disorder. Also called: SPECC1L-related condition.

gnomAD v4.1: 16 of 1,610,474 alleles (0.00099%); highest among the groups gnomAD compares: Non-Finnish European, 0.0013%; no homozygotes.

Submission:

PreventionGenetics, part of Exact Sciences
Classification: Likely benign for SPECC1L-related condition. Last evaluated: 2021-03-09. Review status: no assertion criteria provided. Collection method: clinical testing. Allele origin: germline.
Comment: This variant is classified as likely benign based on ACMG/AMP sequence variant interpretation guidelines (Richards et al. 2015 PMID: 25741868, with internal and published modifications).